The following is an entry in ClinVar:

NM_001243925.2(MAPKAPK3):c.143A>C (p.Gln48Pro)

Gene: MAPKAPK3 (MAPK activated protein kinase 3; plus strand). Cytogenetic location: 3p21.2.
Variant type: single nucleotide variant.
Coding change: c.143A>C on transcript NM_001243925.2 (MANE Select); coding-DNA position 143, A replaced by C.
Protein change: p.Gln48Pro; replaces glutamine 48 with proline.
Molecular consequence: missense variant.
Genome position (GRCh38, 1-based): chr3:50,617,708, A>C. VCF-style: chr3-50617708-A-C. GRCh37 (hg19) VCF-style: chr3-50655139-A-C.
Other names: c.143A>C, p.Gln48Pro (NM_001243926.2, NM_004635.5); short protein forms Q48P.
Identifiers: ClinVar variation 4709099 (VCV004709099.1).
Genomic context (GRCh38, chr3:50,617,708, plus strand): 5'-CGGGGGGGCGGCGGGAGCCCAAGAAGTACGCAGTGACCGACGACTACCAGTTGTCCAAGC[A>C]GGTGCTGGGCCTGGGTGTGAACGGCAAAGTGCTGGAGTGCTTCCATCGGCGCACTGGACA-3'
Protein context (NP_001230854.1, residues 38-58): AVTDDYQLSK[Gln48Pro]VLGLGVNGKV

ClinVar aggregate classification (germline): Uncertain significance (1 of 4 stars; one submission).

gnomAD v4.1: 14 of 1,613,518 alleles (0.00087%); highest among the groups gnomAD compares: African/African-American, 0.0013%; no homozygotes.

Submission:

Labcorp Genetics (formerly Invitae), Labcorp
Classification: Uncertain significance. Last evaluated: 2026-01-18. Review status: criteria provided, single submitter. Criteria: Invitae Variant Classification Sherloc (09022015). Collection method: clinical testing. Allele origin: germline.
Comment: This sequence change replaces glutamine, which is neutral and polar, with proline, which is neutral and non-polar, at codon 48 of the MAPKAPK3 protein (p.Gln48Pro). This variant is not present in population databases (gnomAD no frequency). This variant has not been reported in the literature in individuals affected with MAPKAPK3-related conditions. An algorithm developed to predict the effect of missense changes on protein structure and function (PolyPhen-2) suggests that this variant is likely to be tolerated. In summary, the available evidence is currently insufficient to determine the role of this variant in disease. Therefore, it has been classified as a Variant of Uncertain Significance.